The following is an entry in ClinVar:

ClinVar aggregate classification (germline): Uncertain significance (1 of 4 stars; one submission).

Conditions:
Inborn genetic diseases. Identifiers: MedGen C0950123, MeSH D030342.

gnomAD v4.1: 1 of 1,614,012 alleles (0.000062%); highest among the groups gnomAD compares: Non-Finnish European, 0.000085%; no homozygotes.

Submission:

Ambry Genetics
Classification: Uncertain significance for Inborn genetic diseases. Last evaluated: 2024-09-21. Review status: criteria provided, single submitter. Criteria: Ambry Variant Classification Scheme 2023. Collection method: clinical testing. Allele origin: germline.
Comment: The p.S248N variant (also known as c.743G>A), located in coding exon 9 of the ERCC2 gene, results from a G to A substitution at nucleotide position 743. The serine at codon 248 is replaced by asparagine, an amino acid with highly similar properties. This amino acid position is conserved. In addition, the in silico prediction for this alteration is inconclusive. Based on the available evidence, the clinical significance of this variant remains unclear.

NM_000400.4(ERCC2):c.743G>A (p.Ser248Asn)

Gene: ERCC2 (ERCC excision repair 2, TFIIH core complex helicase subunit; minus strand). Cytogenetic location: 19q13.32.
Variant type: single nucleotide variant.
Coding change: c.743G>A on transcript NM_000400.4 (MANE Select); coding-DNA position 743, G replaced by A.
Protein change: p.Ser248Asn; replaces serine 248 with asparagine.
Molecular consequence: missense variant.
Genome position (GRCh38, 1-based): chr19:45,364,307, C>T on the plus strand (G>A on the coding strand, the complement: ERCC2 is on the minus strand). VCF-style: chr19-45364307-C-T. GRCh37 (hg19) VCF-style: chr19-45867565-C-T.
Other names: c.671G>A, p.Ser224Asn (NM_001130867.2); short protein forms S248N, S224N.
Identifiers: ClinVar variation 3509869 (VCV003509869.1).
Genomic context (GRCh38, chr19:45,364,307, plus strand): 5'-TTCTGCAGGGTCTCCAGGTTGCCCTGGCACCGGTCAAGGGTCCGGCGGGTGAGGTTGACG[C>T]TCATGGAGTCGATGCAGACGTTGTCTGGAGAAGGGGGAGAGAGCCGGCTCAGGCAGGCCT-3'
Protein context (NP_000391.1, residues 238-258): NIDNVCIDSM[Ser248Asn]VNLTRRTLDR